The following is an entry in ClinVar:

ClinVar aggregate classification (germline): Uncertain significance. Review status: criteria provided, multiple submitters, no conflicts (2 of 4 stars). 3 submissions from 3 submitters: Uncertain significance (3). Last evaluated 2025-10-01.

Conditions:
Cardiovascular phenotype. Identifiers: MedGen CN230736.
Cardiomyopathy (CMYO). Also called: Cardiomyopathies. Identifiers: Orphanet 167848, MedGen C0878544, MONDO:0004994, HP:0001638. Inheritance: Various modes of inheritance.
Arrhythmogenic right ventricular dysplasia 5. Also called: ARRHYTHMOGENIC RIGHT VENTRICULAR DYSPLASIA, FAMILIAL, 5; Arrhythmogenic Right Ventricular Dysplasia/Cardiomyopathy 5. Identifiers: MedGen C1858379, MONDO:0011459, OMIM 604400.

Allele frequency attached by ClinVar (database versions not stated): gnomAD exomes below 0.00001; 1000 Genomes Project 30x 0.00016; 1000 Genomes Project 0.00020; TOPMed below 0.00001; gnomAD 0.00001.

Submissions (3):

Ambry Genetics
Classification: Uncertain significance for Cardiovascular phenotype. Last evaluated: 2025-10-01. Review status: criteria provided, single submitter. Criteria: Ambry Variant Classification Scheme 2023. Collection method: clinical testing. Allele origin: germline.
Comment: The p.R312Q variant (also known as c.935G>A), located in coding exon 11 of the TMEM43 gene, results from a G to A substitution at nucleotide position 935. The arginine at codon 312 is replaced by glutamine, an amino acid with highly similar properties. This amino acid position is conserved. In addition, this alteration is predicted to be deleterious by in silico analysis. Based on the available evidence, the clinical significance of this variant remains unclear.

All of Us Research Program, National Institutes of Health
Classification: Uncertain significance for Arrhythmogenic right ventricular dysplasia 5. Last evaluated: 2024-01-11. Review status: criteria provided, single submitter. Criteria: ACMG Guidelines, 2015. Collection method: clinical testing. Allele origin: germline. Inheritance: Autosomal dominant inheritance. Observed: 2 variant alleles, 2 heterozygotes.
Comment: This missense variant replaces arginine with glutamine at codon 312 of the TMEM43 protein. Computational prediction tool is inconclusive regarding the impact of this variant on protein structure and function (internally defined REVEL score threshold 0.5 < inconclusive < 0.7, PMID: 27666373). Splice site prediction tools suggest that this variant may not impact RNA splicing. To our knowledge, functional studies have not been performed for this variant. This variant has not been reported in individuals affected with cardiovascular disorders in the literature. This variant has been identified in 1/251414 chromosomes in the general population by the Genome Aggregation Database (gnomAD). The available evidence is insufficient to determine the role of this variant in disease conclusively. Therefore, this variant is classified as a Variant of Uncertain Significance.

This study involves interpretation of variants in research participants for the purpose of population health screening. Participant phenotype was not available at the time of variant classification. Additional details can be found in publication PMID: 35346344, PMCID: PMC8962531

Color Diagnostics, LLC DBA Color Health
Classification: Uncertain significance for Cardiomyopathy. Last evaluated: 2019-11-05. Review status: criteria provided, single submitter. Criteria: ACMG Guidelines, 2015. Collection method: clinical testing. Allele origin: germline.
Comment: This missense variant replaces arginine with glutamine at codon 312 of the TMEM43 protein. Computational prediction tool is inconclusive regarding the impact of this variant on protein structure and function (internally defined REVEL score threshold 0.5 < inconclusive < 0.7, PMID: 27666373). Splice site prediction tools suggest that this variant may not impact RNA splicing. To our knowledge, functional studies have not been performed for this variant. This variant has not been reported in individuals affected with cardiovascular disorders in the literature. This variant has been identified in 1/251414 chromosomes in the general population by the Genome Aggregation Database (gnomAD). The available evidence is insufficient to determine the role of this variant in disease conclusively. Therefore, this variant is classified as a Variant of Uncertain Significance.

NM_024334.3(TMEM43):c.935G>A (p.Arg312Gln)

Gene: TMEM43 (transmembrane protein 43; plus strand). Cytogenetic location: 3p25.1.
Variant type: single nucleotide variant.
Coding change: c.935G>A on transcript NM_024334.3 (MANE Select); coding-DNA position 935, G replaced by A.
Protein change: p.Arg312Gln; replaces arginine 312 with glutamine.
Molecular consequence: missense variant.
Genome position (GRCh38, 1-based): chr3:14,139,232, G>A. VCF-style: chr3-14139232-G-A. GRCh37 (hg19) VCF-style: chr3-14180732-G-A.
Other names: short protein forms R312Q.
Identifiers: ClinVar variation 919867 (VCV000919867.5), dbSNP rs201543634, ClinGen allele CA69733951.